The following is an entry in ClinVar:

ClinVar aggregate classification (germline): Uncertain significance (1 of 4 stars; one submission).

Allele frequency attached by ClinVar (database versions not stated): TOPMed below 0.00001; gnomAD exomes 0.00001.
gnomAD v4.1: 3 of 1,613,542 alleles (0.00019%); highest among the groups gnomAD compares: Non-Finnish European, 0.00025%; no homozygotes.

Submission:

Labcorp Genetics (formerly Invitae), Labcorp
Classification: Uncertain significance. Last evaluated: 2024-10-07. Review status: criteria provided, single submitter. Criteria: Invitae Variant Classification Sherloc (09022015). Collection method: clinical testing. Allele origin: germline.
Comment: This sequence change replaces arginine, which is basic and polar, with serine, which is neutral and polar, at codon 106 of the PACS2 protein (p.Arg106Ser). This variant is not present in population databases (gnomAD no frequency). This variant has not been reported in the literature in individuals affected with PACS2-related conditions. ClinVar contains an entry for this variant (Variation ID: 1472089). An algorithm developed to predict the effect of missense changes on protein structure and function (PolyPhen-2) suggests that this variant is likely to be disruptive. In summary, the available evidence is currently insufficient to determine the role of this variant in disease. Therefore, it has been classified as a Variant of Uncertain Significance.

NM_001100913.3(PACS2):c.318G>T (p.Arg106Ser)

Gene: PACS2 (phosphofurin acidic cluster sorting protein 2; plus strand). Cytogenetic location: 14q32.33.
Variant type: single nucleotide variant.
Coding change: c.318G>T on transcript NM_001100913.3 (MANE Select); coding-DNA position 318, G replaced by T.
Protein change: p.Arg106Ser; replaces arginine 106 with serine.
Molecular consequence: missense variant.
Genome position (GRCh38, 1-based): chr14:105,355,072, G>T. VCF-style: chr14-105355072-G-T. GRCh37 (hg19) VCF-style: chr14-105821409-G-T.
Other names: c.117G>T, p.Arg39Ser (NM_001243127.3); c.318G>T, p.Arg106Ser (NM_015197.4); short protein forms R106S, R39S.
Identifiers: ClinVar variation 1472089 (VCV001472089.6), dbSNP rs909204022, ClinGen allele CA266538433.